The following is an entry in ClinVar:

ClinVar aggregate classification (germline): Benign/Likely benign. Review status: criteria provided, multiple submitters, no conflicts (2 of 4 stars). 3 submissions from 3 submitters: Benign (1); Likely benign (2). Last evaluated 2024-09-23.

Conditions:
Hereditary diffuse gastric adenocarcinoma (HDGC). Also called: DIFFUSE GASTRIC AND LOBULAR BREAST CANCER SYNDROME. Identifiers: Orphanet 26106, MedGen C1708349, MONDO:0007648, OMIM 137215.
Hereditary cancer-predisposing syndrome. Also called: Neoplastic Syndromes, Hereditary; Hereditary Cancer Syndrome; Hereditary neoplastic syndrome; Tumor predisposition. Identifiers: Orphanet 140162, MedGen C0027672, MeSH D009386, MONDO:0015356.

Allele frequency attached by ClinVar (database versions not stated): gnomAD 0.00001.
gnomAD v4.1: 1 of 1,613,982 alleles (0.000062%); highest among the groups gnomAD compares: African/African-American, 0.0013%; no homozygotes.

Submissions (3):

Myriad Genetics, Inc.
Classification: Benign for Hereditary diffuse gastric adenocarcinoma. Last evaluated: 2024-09-23. Review status: criteria provided, single submitter. Criteria: Myriad Autosomal Dominant, Autosomal Recessive and X-Linked Classification Criteria (2023). Collection method: clinical testing. Allele origin: unknown.
Comment: This variant is considered benign. This variant is a silent/synonymous amino acid change and it is not expected to impact splicing.

Ambry Genetics
Classification: Likely benign for Hereditary cancer-predisposing syndrome. Last evaluated: 2023-07-26. Review status: criteria provided, single submitter. Criteria: Ambry Variant Classification Scheme 2023. Collection method: clinical testing. Allele origin: germline.

Labcorp Genetics (formerly Invitae), Labcorp
Classification: Likely benign for Hereditary diffuse gastric adenocarcinoma. Last evaluated: 2022-10-26. Review status: criteria provided, single submitter. Criteria: Invitae Variant Classification Sherloc (09022015). Collection method: clinical testing. Allele origin: germline.

NM_004360.5(CDH1):c.2325C>T (p.Gly775=)

Gene: CDH1 (cadherin 1; plus strand). Cytogenetic location: 16q22.1.
Variant type: single nucleotide variant.
Coding change: c.2325C>T on transcript NM_004360.5 (MANE Select); coding-DNA position 2325, C replaced by T.
Protein change: p.Gly775=; no amino-acid change (glycine 775 retained).
Molecular consequence: synonymous variant.
Genome position (GRCh38, 1-based): chr16:68,829,683, C>T. VCF-style: chr16-68829683-C-T. GRCh37 (hg19) VCF-style: chr16-68863586-C-T.
Other names: c.2142C>T, p.Gly714= (NM_001317184.2); c.777C>T, p.Gly259= (NM_001317185.2); c.360C>T, p.Gly120= (NM_001317186.2); c.2325C>T (NM_004360.3).
Identifiers: ClinVar variation 1156709 (VCV001156709.12), dbSNP rs970542777, ClinGen allele CA496157371.